The following is an entry in ClinVar:

NM_000545.8(HNF1A):c.767C>T (p.Ser256Phe)

Gene: HNF1A (HNF1 homeobox A; plus strand). Cytogenetic location: 12q24.31.
Variant type: single nucleotide variant.
Coding change: c.767C>T on transcript NM_000545.8 (MANE Select); coding-DNA position 767, C replaced by T.
Protein change: p.Ser256Phe; replaces serine 256 with phenylalanine.
Molecular consequence: missense variant.
Genome position (GRCh38, 1-based): chr12:120,994,217, C>T. VCF-style: chr12-120994217-C-T. GRCh37 (hg19) VCF-style: chr12-121432020-C-T.
Other names: NM_000545.6(HNF1A):c.767C>T; p.Ser256Phe; c.767C>T, p.Ser256Phe (NM_001306179.2); short protein forms S256F.
Identifiers: ClinVar variation 447499 (VCV000447499.7), dbSNP rs1555211986, ClinGen allele CA386966008.

ClinVar aggregate classification (germline): Uncertain significance. Review status: reviewed by expert panel (3 of 4 stars). 3 submissions from 3 submitters: Uncertain significance (1). 2 of the submissions do not count toward it. Last evaluated 2025-06-09.

Conditions:
Monogenic diabetes. Identifiers: Orphanet 183625, MedGen C3888631, MONDO:0015967.
Maturity-onset diabetes of the young (MODY). Also called: Maturity onset diabetes mellitus in young. Identifiers: Orphanet 552, MedGen C0342276, MONDO:0018911, HP:0004904.

Submissions (3):

ClinGen Monogenic Diabetes Variant Curation Expert Panel
Classification: Uncertain significance for Monogenic diabetes. Last evaluated: 2025-06-09. Review status: reviewed by expert panel. Criteria: ClinGen Diabetes ACMG Specifications HNF1A V2.1.0. Collection method: curation. Allele origin: germline. Inheritance: Autosomal dominant inheritance.
Comment: The c.767C>T variant in the HNF1 homeobox A gene, HNF1A, causes an amino acid change of serine to phenylalanine at codon 256 (p.(Ser256Phe)) of NM_000545.8. This variant is located within a conserved region of the DNA binding domain (codons 107-174 and 201-280) of HNF1A, which is defined as critical for the protein’s function by the ClinGen MDEP (PM1_Supporting). Also, this variant is absent from gnomAD v2.1.1 and 4.1 (PM2_Supporting). This variant is predicted to be deleterious by computational evidence, with a REVEL score of 0.897, which is greater than the MDEP VCEP threshold of 0.70 (PP3). In summary, c.767C>T meets the criteria to be classified as a variant of uncertain significance for monogenic diabetes. ACMG/AMP criteria applied, as specified by the ClinGen MDEP (specification version 2.1.0, approved 8/11/2023): PM1_Supporting, PM2_Supporting, PP3.

Athena Diagnostics
Classification: Uncertain significance. Last evaluated: 2017-02-14. Review status: criteria provided, single submitter. Criteria: Athena Diagnostics Criteria. Collection method: clinical testing. Allele origin: germline. Not counted in ClinVar's aggregate classification.

Clinical Genomics, Uppaluri K&H Personalized Medicine Clinic
Classification: Likely risk allele for Maturity-onset diabetes of the young. Review status: criteria provided, single submitter. Criteria: K & H Uppaluri Personalized Medicine Clinic Variant Classification & Assertion Criteria_Updated V.1. Collection method: research. Allele origin: unknown. Inheritance: Autosomal dominant inheritance. Not counted in ClinVar's aggregate classification.
Comment: Mutations in HNF1A gene can predispose to MODY3. It is associated with both micro and macrovascular complications of diabetes, especially cardiovascular complications. Associated with glucosuria. May respond well to sulfonylureas. However, more evidence is required to confer the association of this particular variant rs1555211986 with MODY3.

Literature cited by the submitters: PubMed 31517624 (cited by Clinical Genomics, Uppaluri K&H Personalized Medicine Clinic); PubMed 32395877 (cited by Clinical Genomics, Uppaluri K&H Personalized Medicine Clinic); PubMed 35328643 (cited by Clinical Genomics, Uppaluri K&H Personalized Medicine Clinic); PubMed 35673428 (cited by Clinical Genomics, Uppaluri K&H Personalized Medicine Clinic).